The following is an entry in ClinVar:

NM_005751.5(AKAP9):c.10529A>G (p.His3510Arg)

Gene: AKAP9 (A-kinase anchoring protein 9; plus strand). Cytogenetic location: 7q21.2.
Variant type: single nucleotide variant.
Coding change: c.10529A>G on transcript NM_005751.5 (MANE Select); coding-DNA position 10529, A replaced by G.
Protein change: p.His3510Arg; replaces histidine 3510 with arginine.
Molecular consequence: missense variant.
Genome position (GRCh38, 1-based): chr7:92,097,716, A>G. VCF-style: chr7-92097716-A-G. GRCh37 (hg19) VCF-style: chr7-91727030-A-G.
Other names: c.5174A>G, p.His1725Arg (NM_001379277.1); c.10505A>G, p.His3502Arg (NM_147185.3); short protein forms H1725R, H3502R, H3510R.
Identifiers: ClinVar variation 4868919 (VCV004868919.1).

ClinVar aggregate classification (germline): Uncertain significance (1 of 4 stars; one submission).

Conditions:
Cardiovascular phenotype. Identifiers: MedGen CN230736.

gnomAD v4.1: 4 of 1,614,230 alleles (0.00025%); highest among the groups gnomAD compares: Admixed American, 0.0067%; no homozygotes.

Submission:

Ambry Genetics
Classification: Uncertain significance for Cardiovascular phenotype. Last evaluated: 2026-04-02. Review status: criteria provided, single submitter. Criteria: Ambry Variant Classification Scheme 2023. Collection method: clinical testing. Allele origin: germline.
Comment: The p.H3510R variant (also known as c.10529A>G), located in coding exon 42 of the AKAP9 gene, results from an A to G substitution at nucleotide position 10529. The histidine at codon 3510 is replaced by arginine, an amino acid with highly similar properties. This amino acid position is conserved. In addition, this alteration is predicted to be tolerated by in silico analysis. Based on the available evidence, the clinical significance of this variant remains unclear.